The following is an entry in ClinVar:

NM_001077416.2(TMEM231):c.74T>A (p.Met25Lys)

Gene: TMEM231 (transmembrane protein 231; minus strand). Cytogenetic location: 16q23.1.
Variant type: single nucleotide variant.
Coding change: c.74T>A on transcript NM_001077416.2; coding-DNA position 74, T replaced by A.
Protein change: p.Met25Lys; replaces methionine 25 with lysine.
Molecular consequence: missense variant. On other transcripts: nonsense (1), non-coding transcript variant (1).
Genome position (GRCh38, 1-based): chr16:75,556,198, A>T on the plus strand (T>A on the coding strand, the complement: TMEM231 is on the minus strand). VCF-style: chr16-75556198-A-T. GRCh37 (hg19) VCF-style: chr16-75590096-A-T.
Other names: c.12T>A, p.Tyr4Ter (NM_001077418.3); short protein forms Y4*, M25K.
Identifiers: ClinVar variation 39821 (VCV000039821.10), dbSNP rs397514609, ClinGen allele CA130590.
Genomic context (GRCh38, chr16:75,556,198, plus strand): 5'-CGCGGCTTTGGAGCAGAGCCCCGCGCGGTAACTGCGCTCGACCGGGTGAGAGAAGAGCTC[A>T]TAGAGCGCCATGAGCACCGCTCGCAGGCACTCCGCGAGCCGGGGGACCAAGTTTGGCTTC-3'

ClinVar aggregate classification (germline): Pathogenic/Likely pathogenic. Review status: criteria provided, multiple submitters, no conflicts (2 of 4 stars). 4 submissions from 4 submitters: Pathogenic (2); Likely pathogenic (1). 1 of the submissions does not count toward it. Last evaluated 2025-09-18.

Conditions:
TMEM231-related disorder. Also called: TMEM231-related condition.
Joubert syndrome 20 (JBTS20). Identifiers: Orphanet 475, MedGen C3554235, MONDO:0013994, OMIM 614970.
Meckel syndrome, type 11 (MKS11). Identifiers: Orphanet 564, MedGen C3809352, MONDO:0014164, OMIM 615397.
Joubert syndrome and related disorders. Identifiers: Orphanet 140874, MedGen C5679612, MONDO:0015369.

Allele frequency attached by ClinVar (database versions not stated): TOPMed 0.00001; gnomAD 0.00003.

Submissions (4):

Women's Health and Genetics/Laboratory Corporation of America, LabCorp
Classification: Likely pathogenic for Joubert syndrome and related disorders. Last evaluated: 2025-09-18. Review status: criteria provided, single submitter. Criteria: LabCorp Variant Classification Summary - May 2015. Collection method: clinical testing. Allele origin: germline.
Comment: Variant summary: TMEM231 c.74T>A (p.Met25Lys) results in a non-conservative amino acid change in the longest isoform (NM_001077416.2) of the encoded protein sequence. Algorithms developed to predict the effect of missense changes on protein structure and function are either unavailable or do not agree on the potential impact of this missense change. However, the variant results in a nonsense alteration, c.12T>A (p.Tyr4X), in the canonical isoform of TMEM231 (NM_001077418.1; Srour_2012), in addition, it abolishes the translation initiation methionine (c.2T>A (p.Met1?)) in another isoform of TMEM231 (NM_001077416.1). The variant allele was found at a frequency of 1e-05 in 99892 control chromosomes. c.74T>A, described as c.12T>A (p.Tyr4X), has been observed in three compound heterozygous individuals affected with Joubert Syndrome And Related Disorders (example: Srour_2012, Srour_2015). These data indicate that the variant may be associated with disease. To our knowledge, no experimental evidence demonstrating an impact on protein function has been reported. The following publications have been ascertained in the context of this evaluation (PMID: 26477546, 23012439). ClinVar contains an entry for this variant (Variation ID: 39821). Based on the evidence outlined above, the variant was classified as likely pathogenic.

Blueprint Genetics
Classification: Pathogenic for TMEM231-related disorders. Last evaluated: 2024-06-04. Review status: criteria provided, single submitter. Criteria: ACMG Guidelines, 2015. Collection method: clinical testing. Allele origin: germline. Affected: yes. Observed: 5 variant alleles.

Labcorp Genetics (formerly Invitae), Labcorp
Classification: Pathogenic for Joubert syndrome 20; Meckel syndrome, type 11. Last evaluated: 2023-07-08. Review status: criteria provided, single submitter. Criteria: Invitae Variant Classification Sherloc (09022015). Collection method: clinical testing. Allele origin: germline.
Comment: ClinVar contains an entry for this variant (Variation ID: 39821). This variant is also known as c.12T>A, p.Tyr4*. This missense change has been observed in individual(s) with Joubert syndrome (PMID: 23012439). In at least one individual the data is consistent with being in trans (on the opposite chromosome) from a pathogenic variant. It has also been observed to segregate with disease in related individuals. The frequency data for this variant in the population databases is considered unreliable, as metrics indicate poor data quality at this position in the gnomAD database. This sequence change replaces methionine, which is neutral and non-polar, with lysine, which is basic and polar, at codon 25 of the TMEM231 protein (p.Met25Lys). Experimental studies and prediction algorithms are not available or were not evaluated, and the functional significance of this variant is currently unknown. For these reasons, this variant has been classified as Pathogenic.

OMIM
Classification: Pathogenic for JOUBERT SYNDROME 20. Last evaluated: 2012-10-01. Review status: no assertion criteria provided. Collection method: literature only. Allele origin: germline. Not counted in ClinVar's aggregate classification.

Literature cited by the submitters: PubMed 26982032 (cited by Women's Health and Genetics/Laboratory Corporation of America, LabCorp); PubMed 26477546 (cited by Women's Health and Genetics/Laboratory Corporation of America, LabCorp); PubMed 23012439 (cited by 3 submitters).